The following is an entry in ClinVar:

ClinVar aggregate classification (somatic clinical impact): Tier I - Strong (1 of 4 stars; one submission).

Conditions:
Diffuse glioma, H3 G34 mutant. Identifiers: MedGen CN377580, MONDO:0957197.

Submission:

Institute for Genomic Medicine (IGM) Clinical Laboratory, Nationwide Children's Hospital
Classification: Tier I - Strong for Diffuse glioma, H3 G34 mutant. Assertion type: diagnostic. Clinical significance: supports diagnosis. Last evaluated: 2024-02-12. Review status: criteria provided, single submitter. Criteria: AMP/ASCO/CAP Guidelines, 2017. Collection method: clinical testing. Allele origin: somatic. Affected: yes.
Comment: Variant has Tier I (strong) clinical significance as a diagnostic inclusion criterion in diffuse glioma, H3 G34 mutant, based on the following evidence: 1) Diagnostic for a specific tumor type/classification based on well-powered studies with expert-level consensus (Evidence Level B; PMIDs: 24705251, 25230881, 28966033, 29763623, 24705250, 33259802, 35195909).

Literature cited by the submitters: PubMed 24705251; PubMed 25230881; PubMed 28966033; PubMed 29763623; PubMed 24705250; PubMed 33259802; PubMed 35195909.

NM_006206.6(PDGFRA):c.1467_1505dup (p.Leu502_Ala503insPheAlaLysValGluGluThrIleAlaValArgCysLeu)

Gene: PDGFRA (platelet derived growth factor receptor alpha; plus strand). Cytogenetic location: 4q12.
Variant type: Duplication.
Coding change: c.1467_1505dup on transcript NM_006206.6 (MANE Select); coding-DNA positions 1467 to 1505, 39 bases duplicated.
Protein change: p.Leu502_Ala503insPheAlaLysValGluGluThrIleAlaValArgCysLeu.
Genome position (GRCh38, 1-based): chr4:54,273,639-54,273,677, 39 bases duplicated. GRCh37 (hg19): chr4:55,139,806-55,139,844.
Other names: c.1467_1505dup, p.Leu502_Ala503insPheAlaLysValGluGluThrIleAlaValArgCysLeu (NM_001347827.2, NM_001347829.2); c.1542_1580dup, p.Leu527_Ala528insPheAlaLysValGluGluThrIleAlaValArgCysLeu (NM_001347828.2); c.1506_1544dup, p.Leu515_Ala516insPheAlaLysValGluGluThrIleAlaValArgCysLeu (NM_001347830.2).
Identifiers: ClinVar variation 4530340 (VCV004530340.1).